The following is an entry in ClinVar:

NM_022725.4(FANCF):c.327C>A (p.Tyr109Ter)

Gene: FANCF (FA complementation group F; minus strand). Cytogenetic location: 11p14.3.
Variant type: single nucleotide variant.
Coding change: c.327C>A on transcript NM_022725.4 (MANE Select); coding-DNA position 327, C replaced by A.
Protein change: p.Tyr109Ter; replaces tyrosine 109 with a stop codon.
Molecular consequence: nonsense.
Genome position (GRCh38, 1-based): chr11:22,625,484, G>T on the plus strand (C>A on the coding strand, the complement: FANCF is on the minus strand). VCF-style: chr11-22625484-G-T. GRCh37 (hg19) VCF-style: chr11-22647030-G-T.
Other names: short protein forms Y109*.
Identifiers: ClinVar variation 4754855 (VCV004754855.1).

ClinVar aggregate classification (germline): Pathogenic (1 of 4 stars; one submission).

Conditions:
Fanconi anemia (FA). Also called: Fanconi's anemia. Identifiers: Orphanet 84, MedGen C0015625, MeSH D005199, MONDO:0019391.

Submission:

Labcorp Genetics (formerly Invitae), Labcorp
Classification: Pathogenic for Fanconi anemia. Last evaluated: 2026-01-18. Review status: criteria provided, single submitter. Criteria: Invitae Variant Classification Sherloc (09022015). Collection method: clinical testing. Allele origin: germline.
Comment: This sequence change creates a premature translational stop signal (p.Tyr109*) in the FANCF gene. While this is not anticipated to result in nonsense mediated decay, it is expected to disrupt the last 266 amino acid(s) of the FANCF protein. This variant is not present in population databases (gnomAD no frequency). This variant has not been reported in the literature in individuals affected with FANCF-related conditions. Studies have shown that this premature translational stop signal alters FANCF gene expression (PMID: 10615118). This variant disrupts a region of the FANCF protein in which other variant(s) (p.Leu162Aspfs*103) have been determined to be pathogenic (PMID: 10615118, 26033879, 27714961, 28102861). This suggests that this is a clinically significant region of the protein, and that variants that disrupt it are likely to be disease-causing. For these reasons, this variant has been classified as Pathogenic.

Literature cited by the submitters: PubMed 10615118; PubMed 26033879; PubMed 27714961; PubMed 28102861.